The following is an entry in ClinVar:

NM_182961.4(SYNE1):c.18389T>G (p.Leu6130Arg)

Gene: SYNE1 (spectrin repeat containing nuclear envelope protein 1; minus strand). Cytogenetic location: 6q25.2.
Variant type: single nucleotide variant.
Coding change: c.18389T>G on transcript NM_182961.4 (MANE Select); coding-DNA position 18389, T replaced by G.
Protein change: p.Leu6130Arg; replaces leucine 6130 with arginine.
Molecular consequence: missense variant.
Genome position (GRCh38, 1-based): chr6:152,278,273, A>C on the plus strand (T>G on the coding strand, the complement: SYNE1 is on the minus strand). VCF-style: chr6-152278273-A-C. GRCh37 (hg19) VCF-style: chr6-152599408-A-C.
Other names: c.18176T>G, p.Leu6059Arg (NM_033071.5); short protein forms L6059R, L6130R.
Identifiers: ClinVar variation 2109267 (VCV002109267.4), dbSNP rs2551967718, ClinGen allele CA366095139.

ClinVar aggregate classification (germline): Uncertain significance (1 of 4 stars; one submission).

Conditions:
Emery-Dreifuss muscular dystrophy 4, autosomal dominant (EDMD4). Also called: EMERY-DREIFUSS MUSCULAR DYSTROPHY 4 WITH VARIABLE FEATURES. Identifiers: Orphanet 261, MedGen C2751807, MONDO:0013071, OMIM 612998.
Autosomal recessive ataxia, Beauce type. Also called: SYNE1 Deficiency; Spinocerebellar ataxia, autosomal recessive 8; ATAXIA, RECESSIVE, OF BEAUCE; SYNE1-Related Autosomal Recessive Cerebellar Ataxia. Identifiers: Orphanet 88644, MedGen C1853116, MONDO:0012549, OMIM 610743.

Submission:

Labcorp Genetics (formerly Invitae), Labcorp
Classification: Uncertain significance for Emery-Dreifuss muscular dystrophy 4, autosomal dominant; Autosomal recessive ataxia, Beauce type. Last evaluated: 2022-03-11. Review status: criteria provided, single submitter. Criteria: Invitae Variant Classification Sherloc (09022015). Collection method: clinical testing. Allele origin: germline.
Comment: In summary, the available evidence is currently insufficient to determine the role of this variant in disease. Therefore, it has been classified as a Variant of Uncertain Significance. Algorithms developed to predict the effect of missense changes on protein structure and function (SIFT, PolyPhen-2, Align-GVGD) all suggest that this variant is likely to be disruptive. This variant has not been reported in the literature in individuals affected with SYNE1-related conditions. This variant is not present in population databases (gnomAD no frequency). This sequence change replaces leucine, which is neutral and non-polar, with arginine, which is basic and polar, at codon 6059 of the SYNE1 protein (p.Leu6059Arg).